The following is an entry in ClinVar:

ClinVar aggregate classification (germline): Uncertain significance. Review status: criteria provided, multiple submitters, no conflicts (2 of 4 stars). 3 submissions from 3 submitters: Uncertain significance (3). Last evaluated 2024-11-27.

Conditions:
DCDC2-related disorder. Also called: DCDC2-related condition.
Autosomal recessive nonsyndromic hearing loss 66 (DFNB66). Also called: Deafness, autosomal recessive 66. Identifiers: Orphanet 90636, MedGen C1857750, MONDO:0012442, OMIM 610212.
Isolated neonatal sclerosing cholangitis (NSC). Also called: Sclerosing cholangitis, neonatal. Identifiers: Orphanet 480556, MedGen C4479344, MONDO:0018816, OMIM 617394.

Allele frequency attached by ClinVar (database versions not stated): TOPMed below 0.00001.

Submissions (3):

PreventionGenetics, part of Exact Sciences
Classification: Uncertain significance for DCDC2-related condition. Last evaluated: 2024-11-27. Review status: criteria provided, single submitter. Criteria: ACMG Guidelines, 2015. Collection method: clinical testing. Allele origin: germline.
Comment: The DCDC2 c.467T>A variant is predicted to result in the amino acid substitution p.Leu156His. To our knowledge, this variant has not been reported in the literature or in a large population database (gnomAD), indicating this variant is rare. At this time, the clinical significance of this variant is uncertain due to the absence of conclusive functional and genetic evidence.

GeneDx
Classification: Uncertain significance. Last evaluated: 2024-02-12. Review status: criteria provided, single submitter. Criteria: GeneDx Variant Classification Process June 2021. Collection method: clinical testing. Allele origin: germline. Affected: yes.
Comment: Not observed at significant frequency in large population cohorts (gnomAD); In silico analysis supports that this missense variant has a deleterious effect on protein structure/function; Has not been previously published as pathogenic or benign to our knowledge

Labcorp Genetics (formerly Invitae), Labcorp
Classification: Uncertain significance for Autosomal recessive nonsyndromic hearing loss 66; Isolated neonatal sclerosing cholangitis. Last evaluated: 2022-03-11. Review status: criteria provided, single submitter. Criteria: Invitae Variant Classification Sherloc (09022015). Collection method: clinical testing. Allele origin: germline.
Comment: In summary, the available evidence is currently insufficient to determine the role of this variant in disease. Therefore, it has been classified as a Variant of Uncertain Significance. Algorithms developed to predict the effect of sequence changes on RNA splicing suggest that this variant may disrupt the consensus splice site. Algorithms developed to predict the effect of missense changes on protein structure and function are either unavailable or do not agree on the potential impact of this missense change (SIFT: "Deleterious"; PolyPhen-2: "Probably Damaging"; Align-GVGD: "Class C0"). This variant has not been reported in the literature in individuals affected with DCDC2-related conditions. This variant is not present in population databases (gnomAD no frequency). This sequence change replaces leucine, which is neutral and non-polar, with histidine, which is basic and polar, at codon 156 of the DCDC2 protein (p.Leu156His).

NM_016356.5(DCDC2):c.467T>A (p.Leu156His)

Gene: DCDC2 (doublecortin domain containing 2; minus strand). Cytogenetic location: 6p22.3.
Variant type: single nucleotide variant.
Coding change: c.467T>A on transcript NM_016356.5 (MANE Select); coding-DNA position 467, T replaced by A.
Protein change: p.Leu156His; replaces leucine 156 with histidine.
Molecular consequence: missense variant.
Genome position (GRCh38, 1-based): chr6:24,301,805, A>T on the plus strand (T>A on the coding strand, the complement: DCDC2 is on the minus strand). VCF-style: chr6-24301805-A-T. GRCh37 (hg19) VCF-style: chr6-24302033-A-T.
Other names: c.467T>A (NM_016356.4); c.467T>A, p.Leu156His (NM_001195610.2); short protein forms L156H.
Identifiers: ClinVar variation 1980179 (VCV001980179.4), dbSNP rs1198035065, ClinGen allele CA363281087.